The following is an entry in ClinVar:

NM_000051.4(ATM):c.469T>A (p.Cys157Ser)

Gene: ATM (ATM serine/threonine kinase; plus strand). Cytogenetic location: 11q22.3.
Variant type: single nucleotide variant.
Coding change: c.469T>A on transcript NM_000051.4 (MANE Select); coding-DNA position 469, T replaced by A.
Protein change: p.Cys157Ser; replaces cysteine 157 with serine.
Molecular consequence: missense variant.
Genome position (GRCh38, 1-based): chr11:108,235,807, T>A. VCF-style: chr11-108235807-T-A. GRCh37 (hg19) VCF-style: chr11-108106534-T-A.
Other names: c.469T>A, p.Cys157Ser (NM_001351834.2); short protein forms C157S.
Identifiers: ClinVar variation 4707639 (VCV004707639.1).
Genomic context (GRCh38, chr11:108,235,807, plus strand): 5'-TACGGAGCTGATTGTAGCAACATACTACTCAAAGACATTCTTTCTGTGAGAAAATACTGG[T>A]GTGAAATATCTCAGCAACAGTGGTTAGGTATGTTTTGAAGGTTGTTGTTTGTGAATTTTT-3'
Protein context (NP_000042.3, residues 147-167): KDILSVRKYW[Cys157Ser]EISQQQWLEL

ClinVar aggregate classification (germline): Uncertain significance (1 of 4 stars; one submission).

Conditions:
Ataxia-telangiectasia syndrome (AT). Also called: AT, COMPLEMENTATION GROUP C; Ataxia-telangiectasia, complementation group D; Cerebello-oculocutaneous telangiectasia; Immunodeficiency with ataxia telangiectasia; LOUIS-BAR SYNDROME; Ataxia telangiectasia (A-T). Identifiers: Orphanet 100, MedGen C0004135, MONDO:0008840, OMIM 208900.

Submission:

Labcorp Genetics (formerly Invitae), Labcorp
Classification: Uncertain significance for Ataxia-telangiectasia syndrome. Last evaluated: 2025-01-28. Review status: criteria provided, single submitter. Criteria: Invitae Variant Classification Sherloc (09022015). Collection method: clinical testing. Allele origin: germline.
Comment: This sequence change replaces cysteine, which is neutral and slightly polar, with serine, which is neutral and polar, at codon 157 of the ATM protein (p.Cys157Ser). This variant is not present in population databases (gnomAD no frequency). This variant has not been reported in the literature in individuals affected with ATM-related conditions. Invitae Evidence Modeling of protein sequence and biophysical properties (such as structural, functional, and spatial information, amino acid conservation, physicochemical variation, residue mobility, and thermodynamic stability) indicates that this missense variant is not expected to disrupt ATM protein function with a negative predictive value of 95%. In summary, the available evidence is currently insufficient to determine the role of this variant in disease. Therefore, it has been classified as a Variant of Uncertain Significance.